The following is an entry in ClinVar:

ClinVar aggregate classification (germline): Uncertain significance (1 of 4 stars; one submission).

Conditions:
Inborn genetic diseases. Identifiers: MedGen C0950123, MeSH D030342.

Submission:

Ambry Genetics
Classification: Uncertain significance for Inborn genetic diseases. Last evaluated: 2025-06-10. Review status: criteria provided, single submitter. Criteria: Ambry Variant Classification Scheme 2023. Collection method: clinical testing. Allele origin: germline.
Comment: The p.C140S variant (also known as c.419G>C), located in coding exon 4 of the CEP57 gene, results from a G to C substitution at nucleotide position 419. The cysteine at codon 140 is replaced by serine, an amino acid with dissimilar properties. This amino acid position is conserved. In addition, this alteration is predicted to be deleterious by in silico analysis. Based on the available evidence, the clinical significance of this variant remains unclear.

NM_014679.5(CEP57):c.419G>C (p.Cys140Ser)

Gene: CEP57 (centrosomal protein 57; plus strand). Cytogenetic location: 11q21.
Variant type: single nucleotide variant.
Coding change: c.419G>C on transcript NM_014679.5 (MANE Select); coding-DNA position 419, G replaced by C.
Protein change: p.Cys140Ser; replaces cysteine 140 with serine.
Molecular consequence: missense variant.
Genome position (GRCh38, 1-based): chr11:95,813,504, G>C. VCF-style: chr11-95813504-G-C. GRCh37 (hg19) VCF-style: chr11-95546668-G-C.
Other names: c.338G>C, p.Cys113Ser (NM_001363604.2); c.392G>C, p.Cys131Ser (NM_001243776.2); c.419G>C, p.Cys140Ser (NM_001243777.2); short protein forms C140S, C113S, C131S.
Identifiers: ClinVar variation 4001083 (VCV004001083.1).